The following is an entry in ClinVar:

ClinVar aggregate classification (germline): Uncertain significance (1 of 4 stars; one submission).

Submission:

Labcorp Genetics (formerly Invitae), Labcorp
Classification: Uncertain significance. Last evaluated: 2024-11-11. Review status: criteria provided, single submitter. Criteria: Invitae Variant Classification Sherloc (09022015). Collection method: clinical testing. Allele origin: germline.
Comment: This sequence change replaces arginine, which is basic and polar, with glycine, which is neutral and non-polar, at codon 232 of the LAMA1 protein (p.Arg232Gly). This variant is not present in population databases (gnomAD no frequency). This variant has not been reported in the literature in individuals affected with LAMA1-related conditions. ClinVar contains an entry for this variant (Variation ID: 2013421). An algorithm developed to predict the effect of missense changes on protein structure and function (PolyPhen-2) suggests that this variant is likely to be disruptive. In summary, the available evidence is currently insufficient to determine the role of this variant in disease. Therefore, it has been classified as a Variant of Uncertain Significance.

NM_005559.4(LAMA1):c.694A>G (p.Arg232Gly)

Gene: LAMA1 (laminin subunit alpha 1; minus strand). Cytogenetic location: 18p11.31.
Variant type: single nucleotide variant.
Coding change: c.694A>G on transcript NM_005559.4 (MANE Select); coding-DNA position 694, A replaced by G.
Protein change: p.Arg232Gly; replaces arginine 232 with glycine.
Molecular consequence: missense variant.
Genome position (GRCh38, 1-based): chr18:7,049,152, T>C on the plus strand (A>G on the coding strand, the complement: LAMA1 is on the minus strand). VCF-style: chr18-7049152-T-C. GRCh37 (hg19) VCF-style: chr18-7049151-T-C.
Other names: short protein forms R232G.
Identifiers: ClinVar variation 2013421 (VCV002013421.4), dbSNP rs2510095186, ClinGen allele CA401840963.